The following is an entry in ClinVar:

NM_005629.4(SLC6A8):c.1767+5G>A

Gene: SLC6A8 (solute carrier family 6 member 8; plus strand). Cytogenetic location: Xq28.
Variant type: single nucleotide variant.
Coding change: c.1767+5G>A on transcript NM_005629.4 (MANE Select); 5 bases into the intron after coding-DNA position 1767, G replaced by A.
Molecular consequence: intron variant.
Genome position (GRCh38, 1-based): chrX:153,694,894, G>A. VCF-style: chrX-153694894-G-A. GRCh37 (hg19) VCF-style: chrX-152960349-G-A.
Other names: c.1737+5G>A (NM_001142805.2); c.1422+5G>A (NM_001142806.1).
Identifiers: ClinVar variation 515498 (VCV000515498.3), dbSNP rs1557045744, ClinGen allele CA658799896.
Genomic context (GRCh38, chrX:153,694,894, plus strand): 5'-GCGTGCCGCTGCACCTCCTGGGCTGCCTCCTCAGGGCCAAGGGCACCATGGCTGAGGTAA[G>A]GCTCCCGCCCGGCCCGCCCTCCCCTCCCCTGCTGTGAACATTCAACCCAGCCTGCTTCCT-3'

ClinVar aggregate classification (germline): Conflicting classifications of pathogenicity. Review status: criteria provided, conflicting classifications (1 of 4 stars). 2 submissions from 2 submitters: Uncertain significance (1); Likely benign (1). Last evaluated 2025-01-10.

Submissions (2):

Dasa
Classification: Uncertain significance. Last evaluated: 2025-01-10. Review status: criteria provided, single submitter. Criteria: DASA Assertion Criteria. Collection method: clinical testing. Allele origin: germline.
Comment: NM_005629.4(SLC6A8):c.1767+5G>A is a splice-region variant. This variant is absent from population databases. The currently available literature and clinical evidence are not sufficient to establish a definitive association between this variant and the reported condition. Therefore, this variant is classified as a variant of uncertain significance.

GeneDx
Classification: Likely benign. Last evaluated: 2018-02-23. Review status: criteria provided, single submitter. Criteria: GeneDx Variant Classification (06012015). Collection method: clinical testing. Allele origin: germline. Affected: yes.
Comment: This variant is considered likely benign or benign based on one or more of the following criteria: it is a conservative change, it occurs at a poorly conserved position in the protein, it is predicted to be benign by multiple in silico algorithms, and/or has population frequency not consistent with disease.